The following is an entry in ClinVar:

NC_012920.1(MT-ATP6):m.8981A>G

Gene: MT-ATP6 (mitochondrially encoded ATP synthase 6; plus strand).
Variant type: single nucleotide variant.
Genome position: chrM-8981-A-G.
Identifiers: ClinVar variation 693043 (VCV000693043.1), dbSNP rs1603221955, ClinGen allele CA414801738.

ClinVar aggregate classification (germline): Likely benign (1 of 4 stars; one submission).

Conditions:
Leigh syndrome (NULS). Also called: Leigh's necrotizing encephalopathy; Leigh's disease; Leigh Syndrome (mtDNA deletion); Leigh Disease; Subacute necrotizing encephalopathy; Necrotizing encephalopathy infantile subacute of Leigh. Identifiers: Orphanet 506, MedGen C2931891, MONDO:0009723, OMIM 256000.

Submission:

Wong Mito Lab, Molecular and Human Genetics, Baylor College of Medicine
Classification: Likely benign for Leigh syndrome. Last evaluated: 2019-10-17. Review status: criteria provided, single submitter. Criteria: Modified ACMG Guidelines (Unpublished). Collection method: clinical testing. Allele origin: germline.
Comment: The NC_012920.1:m.8981A>G (YP_003024031.1:p.Gln152Arg) variant in MTATP6 gene is interpretated to be a Likely Benign variant based on the modified ACMG guidelines (unpublished). This variant meets the following evidence codes: BS4, BP6